The following is an entry in ClinVar:

NM_003560.4(PLA2G6):c.1501G>T (p.Glu501Ter)

Gene: PLA2G6 (phospholipase A2 group VI; minus strand). Cytogenetic location: 22q13.1.
Variant type: single nucleotide variant.
Coding change: c.1501G>T on transcript NM_003560.4 (MANE Select); coding-DNA position 1501, G replaced by T.
Protein change: p.Glu501Ter; replaces glutamic acid 501 with a stop codon.
Molecular consequence: nonsense.
Genome position (GRCh38, 1-based): chr22:38,123,185, C>A on the plus strand (G>T on the coding strand, the complement: PLA2G6 is on the minus strand). VCF-style: chr22-38123185-C-A. GRCh37 (hg19) VCF-style: chr22-38519192-C-A.
Other names: c.1339G>T, p.Glu447Ter (NM_001004426.3, NM_001199562.3, NM_001349865.2 and 1 more transcripts); c.1501G>T, p.Glu501Ter (NM_001349864.2); c.967G>T, p.Glu323Ter (NM_001349867.2); c.823G>T, p.Glu275Ter (NM_001349868.2); c.805G>T, p.Glu269Ter (NM_001349869.2); short protein forms E269*, E323*, E501*, E275*, E447*.
Identifiers: ClinVar variation 2766790 (VCV002766790.3), dbSNP rs587784332, ClinGen allele CA411527954.

ClinVar aggregate classification (germline): Pathogenic (1 of 4 stars; one submission).

Conditions:
Infantile neuroaxonal dystrophy (NBIA2A). Also called: NEURODEGENERATION WITH BRAIN IRON ACCUMULATION 2A; SEITELBERGER DISEASE; Infantile neuroaxonal dystrophy 1. Identifiers: Orphanet 35069, MedGen C0270724, MONDO:0024457, OMIM 256600.

Submission:

Labcorp Genetics (formerly Invitae), Labcorp
Classification: Pathogenic for Infantile neuroaxonal dystrophy. Last evaluated: 2024-01-31. Review status: criteria provided, single submitter. Criteria: Invitae Variant Classification Sherloc (09022015). Collection method: clinical testing. Allele origin: germline.
Comment: This sequence change creates a premature translational stop signal (p.Glu501*) in the PLA2G6 gene. It is expected to result in an absent or disrupted protein product. Loss-of-function variants in PLA2G6 are known to be pathogenic (PMID: 16783378, 18570303, 18799783, 22213678). This variant is not present in population databases (gnomAD no frequency). This variant has not been reported in the literature in individuals affected with PLA2G6-related conditions. For these reasons, this variant has been classified as Pathogenic.

Literature cited by the submitters: PubMed 16783378; PubMed 18570303; PubMed 18799783; PubMed 22213678.